The following is an entry in ClinVar:

NM_032603.5(LOXL3):c.1940-2A>T

Gene: LOXL3 (lysyl oxidase like 3; minus strand). Cytogenetic location: 2p13.1.
Variant type: single nucleotide variant.
Coding change: c.1940-2A>T on transcript NM_032603.5 (MANE Select); the canonical splice acceptor site of the intron before coding-DNA position 1940, A replaced by T.
Molecular consequence: splice acceptor variant.
Genome position (GRCh38, 1-based): chr2:74,534,238, T>A on the plus strand (A>T on the coding strand, the complement: LOXL3 is on the minus strand). VCF-style: chr2-74534238-T-A. GRCh37 (hg19) VCF-style: chr2-74761365-T-A.
Other names: c.1505-2A>T (NM_001289164.3); c.857-2A>T (NM_001289165.2).
Identifiers: ClinVar variation 4985832 (VCV004985832.1).

ClinVar aggregate classification (germline): Uncertain significance (1 of 4 stars; one submission).

Conditions:
LOXL3-related disorder. Also called: LOXL3-related condition.

gnomAD v4.1: 6 of 1,614,094 alleles (0.00037%); highest among the groups gnomAD compares: African/African-American, 0.0013%; no homozygotes.

Submission:

PreventionGenetics, part of Exact Sciences
Classification: Uncertain significance for LOXL3-related condition. Last evaluated: 2026-02-26. Review status: criteria provided, single submitter. Criteria: ACMG Guidelines, 2015. Collection method: clinical testing. Allele origin: germline.
Comment: The LOXL3 c.1940-2A>T variant is predicted to disrupt the AG splice acceptor site and interfere with normal splicing. To our knowledge, this variant has not been reported in the literature. This variant is reported in 0.0040% of alleles in individuals of African descent in gnomAD. No truncating variants downstream of this position have been reported in individuals with Stickler syndrome. Although we suspect that this variant may be pathogenic, at this time, the clinical significance of this variant is uncertain due to the absence of conclusive functional and genetic evidence.